The following is an entry in ClinVar:

ClinVar aggregate classification (germline): Uncertain significance (1 of 4 stars; one submission).

Conditions:
Hereditary cancer-predisposing syndrome. Also called: Neoplastic Syndromes, Hereditary; Tumor predisposition; Hereditary Cancer Syndrome; Hereditary neoplastic syndrome. Identifiers: Orphanet 140162, MedGen C0027672, MeSH D009386, MONDO:0015356.

Submission:

Ambry Genetics
Classification: Uncertain significance for Hereditary cancer-predisposing syndrome. Last evaluated: 2026-06-03. Review status: criteria provided, single submitter. Criteria: Ambry Variant Classification Scheme 2023. Collection method: clinical testing. Allele origin: germline.
Comment: The p.A782P variant (also known as c.2344G>C), located in coding exon 21 of the POLE gene, results from a G to C substitution at nucleotide position 2344. The alanine at codon 782 is replaced by proline, an amino acid with highly similar properties. This amino acid position is conserved. In addition, the in silico prediction for this alteration is inconclusive. Based on the available evidence, the clinical significance of this variant remains unclear.

NM_006231.4(POLE):c.2344G>C (p.Ala782Pro)

Gene: POLE (DNA polymerase epsilon, catalytic subunit; minus strand). Cytogenetic location: 12q24.33.
Variant type: single nucleotide variant.
Coding change: c.2344G>C on transcript NM_006231.4 (MANE Select); coding-DNA position 2344, G replaced by C.
Protein change: p.Ala782Pro; replaces alanine 782 with proline.
Molecular consequence: missense variant.
Genome position (GRCh38, 1-based): chr12:132,665,426, C>G on the plus strand (G>C on the coding strand, the complement: POLE is on the minus strand). VCF-style: chr12-132665426-C-G. GRCh37 (hg19) VCF-style: chr12-133242012-C-G.
Other names: short protein forms A782P.
Identifiers: ClinVar variation 4862341 (VCV004862341.1).